The following is an entry in ClinVar:

NM_000260.4(MYO7A):c.6528C>T (p.Arg2176=)

Gene: MYO7A (myosin VIIA; plus strand). Cytogenetic location: 11q13.5.
Variant type: single nucleotide variant.
Coding change: c.6528C>T on transcript NM_000260.4 (MANE Select); coding-DNA position 6528, C replaced by T.
Protein change: p.Arg2176=; no amino-acid change (arginine 2176 retained).
Molecular consequence: synonymous variant.
Genome position (GRCh38, 1-based): chr11:77,213,949, C>T. VCF-style: chr11-77213949-C-T. GRCh37 (hg19) VCF-style: chr11-76924994-C-T.
Other names: c.6408C>T, p.Arg2136= (NM_001127180.2); c.6381C>T, p.Arg2127= (NM_001369365.1); c.6528C>T (NM_000260.3).
Identifiers: ClinVar variation 1093853 (VCV001093853.10), dbSNP rs778385849, ClinGen allele CA224830111.

ClinVar aggregate classification (germline): Conflicting classifications of pathogenicity. Review status: criteria provided, conflicting classifications (1 of 4 stars). 2 submissions from 2 submitters: Uncertain significance (1); Likely benign (1). Last evaluated 2025-05-19.

Allele frequency attached by ClinVar (database versions not stated): gnomAD exomes 0.00001.
gnomAD v4.1: 7 of 1,614,070 alleles (0.00043%); highest among the groups gnomAD compares: Admixed American, 0.005%; no homozygotes.

Submissions (2):

Labcorp Genetics (formerly Invitae), Labcorp
Classification: Likely benign. Last evaluated: 2025-05-19. Review status: criteria provided, single submitter. Criteria: Invitae Variant Classification Sherloc (09022015). Collection method: clinical testing. Allele origin: germline.

GeneDx
Classification: Uncertain significance. Last evaluated: 2024-05-21. Review status: criteria provided, single submitter. Criteria: GeneDx Variant Classification Process June 2021. Collection method: clinical testing. Allele origin: germline. Affected: yes.
Comment: In silico analysis supports a deleterious effect on splicing; Has not been previously published as pathogenic or benign to our knowledge